The following is an entry in ClinVar:

NM_001273.5(CHD4):c.1119C>T (p.Cys373=)

Gene: CHD4 (chromodomain helicase DNA binding protein 4; minus strand). Cytogenetic location: 12p13.31.
Variant type: single nucleotide variant.
Coding change: c.1119C>T on transcript NM_001273.5 (MANE Select); coding-DNA position 1119, C replaced by T.
Protein change: p.Cys373=; no amino-acid change (cysteine 373 retained).
Molecular consequence: synonymous variant.
Genome position (GRCh38, 1-based): chr12:6,600,340, G>A on the plus strand (C>T on the coding strand, the complement: CHD4 is on the minus strand). VCF-style: chr12-6600340-G-A. GRCh37 (hg19) VCF-style: chr12-6709506-G-A.
Other names: c.1098C>T, p.Cys366= (NM_001297553.2); c.1080C>T, p.Cys360= (NM_001363606.2).
Identifiers: ClinVar variation 2642629 (VCV002642629.26), dbSNP rs779177743, ClinGen allele CA6412303.

ClinVar aggregate classification (germline): Likely benign. Review status: criteria provided, multiple submitters, no conflicts (2 of 4 stars). 2 submissions from 2 submitters: Likely benign (2). Last evaluated 2024-10-17.

Allele frequency attached by ClinVar (database versions not stated): TOPMed 0.00002; gnomAD 0.00003; gnomAD exomes 0.00004; ExAC 0.00005.
gnomAD v4.1: 61 of 1,614,030 alleles (0.0038%); highest among the groups gnomAD compares: Middle Eastern, 0.033%; no homozygotes.

Submissions (2):

Labcorp Genetics (formerly Invitae), Labcorp
Classification: Likely benign. Last evaluated: 2024-10-17. Review status: criteria provided, single submitter. Criteria: Invitae Variant Classification Sherloc (09022015). Collection method: clinical testing. Allele origin: germline.

CeGaT Center for Human Genetics Tuebingen
Classification: Likely benign. Last evaluated: 2023-06-01. Review status: criteria provided, single submitter. Criteria: CeGaT Center For Human Genetics Tuebingen Variant Classification Criteria Version 2. Collection method: clinical testing. Allele origin: germline. Affected: yes. Observed: 1 variant allele.
Comment: CHD4: BP4, BP7